The following is an entry in ClinVar:

ClinVar aggregate classification (germline): Uncertain significance. Review status: criteria provided, multiple submitters, no conflicts (2 of 4 stars). 3 submissions from 3 submitters: Uncertain significance (2). 1 of the submissions does not count toward it. Last evaluated 2025-11-05.

Conditions:
Inborn genetic diseases. Identifiers: MedGen C0950123, MeSH D030342.
Usher syndrome type 2A. Also called: RETINAL DISEASE IN USHER SYNDROME TYPE IIA, MODIFIER OF; USHER SYNDROME, TYPE IIA. Identifiers: Orphanet 231178, Orphanet 886, MedGen C1848634, MONDO:0010169, OMIM 276901.

Allele frequency attached by ClinVar (database versions not stated): TOPMed 0.00001; ExAC 0.00002; gnomAD exomes 0.00002 and 0.00004.
gnomAD v4.1: 12 of 1,614,118 alleles (0.00074%); highest among the groups gnomAD compares: Admixed American, 0.02%; no homozygotes.

Submissions (3):

Ambry Genetics
Classification: Uncertain significance for Inborn genetic diseases. Last evaluated: 2025-11-05. Review status: criteria provided, single submitter. Criteria: Ambry Variant Classification Scheme 2023. Collection method: clinical testing. Allele origin: germline.

Labcorp Genetics (formerly Invitae), Labcorp
Classification: Uncertain significance. Last evaluated: 2022-07-01. Review status: criteria provided, single submitter. Criteria: Invitae Variant Classification Sherloc (09022015). Collection method: clinical testing. Allele origin: germline.
Comment: This sequence change replaces threonine, which is neutral and polar, with alanine, which is neutral and non-polar, at codon 4387 of the USH2A protein (p.Thr4387Ala). This variant is present in population databases (rs755416914, gnomAD 0.03%). This variant has not been reported in the literature in individuals affected with USH2A-related conditions. ClinVar contains an entry for this variant (Variation ID: 934882). Algorithms developed to predict the effect of missense changes on protein structure and function output the following: SIFT: "Tolerated"; PolyPhen-2: "Benign"; Align-GVGD: "Class C0". The alanine amino acid residue is found in multiple mammalian species, which suggests that this missense change does not adversely affect protein function. In summary, the available evidence is currently insufficient to determine the role of this variant in disease. Therefore, it has been classified as a Variant of Uncertain Significance.

Natera, Inc.
Classification: Uncertain significance for Usher syndrome type 2A. Last evaluated: 2020-03-12. Review status: no assertion criteria provided. Collection method: clinical testing. Allele origin: germline. Not counted in ClinVar's aggregate classification.

NM_206933.4(USH2A):c.13159A>G (p.Thr4387Ala)

Gene: USH2A (usherin; minus strand). Cytogenetic location: 1q41.
Variant type: single nucleotide variant.
Coding change: c.13159A>G on transcript NM_206933.4 (MANE Select); coding-DNA position 13159, A replaced by G.
Protein change: p.Thr4387Ala; replaces threonine 4387 with alanine.
Molecular consequence: missense variant.
Genome position (GRCh38, 1-based): chr1:215,674,752, T>C on the plus strand (A>G on the coding strand, the complement: USH2A is on the minus strand). VCF-style: chr1-215674752-T-C. GRCh37 (hg19) VCF-style: chr1-215848094-T-C.
Other names: short protein forms T4387A.
Identifiers: ClinVar variation 934882 (VCV000934882.5), dbSNP rs755416914, ClinGen allele CA1393337.